The following is an entry in ClinVar:

ClinVar aggregate classification (germline): Uncertain significance (1 of 4 stars; one submission).

Conditions:
Glycogen storage disease IXb (GSD9B). Also called: GLYCOGENOSIS OF LIVER AND MUSCLE, AUTOSOMAL RECESSIVE; GSD IXb; PHOSPHORYLASE KINASE DEFICIENCY OF LIVER AND MUSCLE, AUTOSOMAL RECESSIVE. Identifiers: Orphanet 79240, MedGen C0543514, MONDO:0009868, OMIM 261750.

gnomAD v4.1: 2 of 1,614,058 alleles (0.00012%); highest among the groups gnomAD compares: Non-Finnish European, 0.00017%; no homozygotes.

Submission:

Labcorp Genetics (formerly Invitae), Labcorp
Classification: Uncertain significance for Glycogen storage disease IXb. Last evaluated: 2023-05-23. Review status: criteria provided, single submitter. Criteria: Invitae Variant Classification Sherloc (09022015). Collection method: clinical testing. Allele origin: germline.
Comment: Experimental studies and prediction algorithms are not available or were not evaluated, and the functional significance of this variant is currently unknown. In summary, the available evidence is currently insufficient to determine the role of this variant in disease. Therefore, it has been classified as a Variant of Uncertain Significance. Algorithms developed to predict the effect of sequence changes on RNA splicing suggest that this variant is not likely to affect RNA splicing. ClinVar contains an entry for this variant (Variation ID: 1113901). This variant has not been reported in the literature in individuals affected with PHKB-related conditions. This variant is not present in population databases (gnomAD no frequency). This sequence change replaces serine, which is neutral and polar, with asparagine, which is neutral and polar, at codon 788 of the PHKB protein (p.Ser788Asn). The PHKB gene has multiple clinically relevant transcripts. This variant occurs in alternate transcript NM_001031835.2, and corresponds to NM_000293.2:c.2427+1014G>A in the primary transcript.

NM_000293.3(PHKB):c.2427+1014G>A

Gene: PHKB (phosphorylase kinase regulatory subunit beta; plus strand). Cytogenetic location: 16q12.1.
Variant type: single nucleotide variant.
Coding change: c.2427+1014G>A on transcript NM_000293.3 (MANE Select); 1014 bases into the intron after coding-DNA position 2427, G replaced by A.
Molecular consequence: intron variant. On other transcripts: missense variant (2).
Genome position (GRCh38, 1-based): chr16:47,665,989, G>A. VCF-style: chr16-47665989-G-A. GRCh37 (hg19) VCF-style: chr16-47699900-G-A.
Other names: c.2363G>A, p.Ser788Asn (NM_001031835.3); c.2384G>A, p.Ser795Asn (NM_001363837.1); short protein forms S788N, S795N.
Identifiers: ClinVar variation 1113901 (VCV001113901.9), dbSNP rs2151739368, ClinGen allele CA395790293.